The following is an entry in ClinVar:

NM_018941.4(CLN8):c.796G>T (p.Ala266Ser)

Gene: CLN8 (CLN8 transmembrane ER and ERGIC protein; plus strand). Cytogenetic location: 8p23.3.
Variant type: single nucleotide variant.
Coding change: c.796G>T on transcript NM_018941.4 (MANE Select); coding-DNA position 796, G replaced by T.
Protein change: p.Ala266Ser; replaces alanine 266 with serine.
Molecular consequence: missense variant.
Genome position (GRCh38, 1-based): chr8:1,780,502, G>T. VCF-style: chr8-1780502-G-T. GRCh37 (hg19) VCF-style: chr8-1728668-G-T.
Other names: short protein forms A266S.
Identifiers: ClinVar variation 1975287 (VCV001975287.5), dbSNP rs766292710, ClinGen allele CA369954345.

ClinVar aggregate classification (germline): Uncertain significance (1 of 4 stars; one submission).

Conditions:
Neuronal ceroid lipofuscinosis. Also called: Neuronal Ceroid Lipofuscinoses. Identifiers: Orphanet 216, Orphanet 79263, MedGen C0027877, MONDO:0016295. Disease mechanism: loss of function.

Submission:

Labcorp Genetics (formerly Invitae), Labcorp
Classification: Uncertain significance for Neuronal ceroid lipofuscinosis. Last evaluated: 2021-12-23. Review status: criteria provided, single submitter. Criteria: Invitae Variant Classification Sherloc (09022015). Collection method: clinical testing. Allele origin: germline.
Comment: In summary, the available evidence is currently insufficient to determine the role of this variant in disease. Therefore, it has been classified as a Variant of Uncertain Significance. Advanced modeling of protein sequence and biophysical properties (such as structural, functional, and spatial information, amino acid conservation, physicochemical variation, residue mobility, and thermodynamic stability) performed at Invitae indicates that this missense variant is not expected to disrupt CLN8 protein function. This sequence change replaces alanine, which is neutral and non-polar, with serine, which is neutral and polar, at codon 266 of the CLN8 protein (p.Ala266Ser). This variant is not present in population databases (gnomAD no frequency). This variant has not been reported in the literature in individuals affected with CLN8-related conditions.